The following is an entry in ClinVar:

ClinVar aggregate classification (germline): Uncertain significance. Review status: criteria provided, multiple submitters, no conflicts (2 of 4 stars). 5 submissions from 5 submitters: Uncertain significance (5). Last evaluated 2025-10-03.

Conditions:
RECON progeroid syndrome (RECON). Identifiers: MedGen C5830504, MONDO:0957266, OMIM 620370.

Allele frequency attached by ClinVar (database versions not stated): gnomAD exomes 0.00001 and 0.00002; TOPMed 0.00001; gnomAD 0.00003; ExAC 0.00001.

Submissions (5):

Quest Diagnostics Nichols Institute San Juan Capistrano
Classification: Uncertain significance. Last evaluated: 2025-10-03. Review status: criteria provided, single submitter. Criteria: Quest Diagnostics criteria. Collection method: clinical testing. Allele origin: unknown.
Comment: The RECQL c.166G>A (p.Gly56Arg) variant has been reported in the published literature in an individual affected with Peutz-Jeghers syndrome who also carried other genetic variants, including a deleterious variant in the BRIP1 gene (PMID: 34754157 (2021)). This variant has also been identified in reportedly unaffected individuals in a large-scale breast cancer association study (PMID: 33471991 (2021), see also LOVD). The frequency of this variant in the general population (Genome Aggregation Database) is uninformative in the assessment of its pathogenicity. Analysis of this variant using bioinformatics tools for the prediction of the effect of amino acid changes on protein structure and function yielded predictions that this variant is benign. Based on the available information, we are unable to determine the clinical significance of this variant.

Labcorp Genetics (formerly Invitae), Labcorp
Classification: Uncertain significance. Last evaluated: 2025-06-06. Review status: criteria provided, single submitter. Criteria: Invitae Variant Classification Sherloc (09022015). Collection method: clinical testing. Allele origin: germline.
Comment: This sequence change replaces glycine, which is neutral and non-polar, with arginine, which is basic and polar, at codon 56 of the RECQL protein (p.Gly56Arg). This variant is present in population databases (rs747348482, gnomAD 0.007%). This missense change has been observed in individual(s) with clinical features of RECQL-related conditions (PMID: 34754157). ClinVar contains an entry for this variant (Variation ID: 860869). An algorithm developed to predict the effect of missense changes on protein structure and function (PolyPhen-2) suggests that this variant is likely to be disruptive. In summary, the available evidence is currently insufficient to determine the role of this variant in disease. Therefore, it has been classified as a Variant of Uncertain Significance.

Fulgent Genetics
Classification: Uncertain significance for RECON progeroid syndrome. Last evaluated: 2024-01-04. Review status: criteria provided, single submitter. Criteria: ACMG Guidelines, 2015. Collection method: clinical testing. Allele origin: germline.

GeneDx
Classification: Uncertain significance. Last evaluated: 2023-09-27. Review status: criteria provided, single submitter. Criteria: GeneDx Variant Classification Process June 2021. Collection method: clinical testing. Allele origin: germline. Affected: yes.
Comment: Observed in an individual with a clinical diagnosis of Peutz-Jeghers syndrome who harbored a pathogenic STK11 variant (Gu et al., 2021); In silico analysis is inconclusive as to whether the variant alters gene splicing. In the absence of RNA/functional studies, the actual effect of this sequence change is unknown.; Not observed at significant frequency in large population cohorts (gnomAD); In silico analysis supports that this missense variant has a deleterious effect on protein structure/function; Variants in candidate genes are classified as variants of uncertain significance in accordance with ACMG guidelines (Richards et al., 2015); This variant is associated with the following publications: (PMID: 27248010, 34754157)

Ambry Genetics
Classification: Uncertain significance. Last evaluated: 2023-01-10. Review status: criteria provided, single submitter. Criteria: Ambry Variant Classification Scheme 2023. Collection method: clinical testing. Allele origin: germline.

Literature cited by the submitters: PubMed 33471991 (cited by Quest Diagnostics Nichols Institute San Juan Capistrano); PubMed 34754157 (cited by Quest Diagnostics Nichols Institute San Juan Capistrano and Labcorp Genetics (formerly Invitae), Labcorp); PubMed 37031196 (cited by Quest Diagnostics Nichols Institute San Juan Capistrano).

NM_002907.4(RECQL):c.166G>A (p.Gly56Arg)

Gene: RECQL (RecQ like helicase; minus strand). Cytogenetic location: 12p12.1.
Variant type: single nucleotide variant.
Coding change: c.166G>A on transcript NM_002907.4 (MANE Select); coding-DNA position 166, G replaced by A.
Protein change: p.Gly56Arg; replaces glycine 56 with arginine.
Molecular consequence: missense variant.
Genome position (GRCh38, 1-based): chr12:21,491,567, C>T on the plus strand (G>A on the coding strand, the complement: RECQL is on the minus strand). VCF-style: chr12-21491567-C-T. GRCh37 (hg19) VCF-style: chr12-21644501-C-T.
Other names: c.166G>A, p.Gly56Arg (NM_032941.3); short protein forms G56R.
Identifiers: ClinVar variation 860869 (VCV000860869.16), dbSNP rs747348482, ClinGen allele CA6479187.